The following is an entry in ClinVar:

NM_001382391.1(CSPP1):c.2282G>A (p.Arg761Lys)

Gene: CSPP1 (centrosome and spindle pole associated protein 1; plus strand). Cytogenetic location: 8q13.2.
Variant type: single nucleotide variant.
Coding change: c.2282G>A on transcript NM_001382391.1 (MANE Select); coding-DNA position 2282, G replaced by A.
Protein change: p.Arg761Lys; replaces arginine 761 with lysine.
Molecular consequence: missense variant.
Genome position (GRCh38, 1-based): chr8:67,158,487, G>A. VCF-style: chr8-67158487-G-A. GRCh37 (hg19) VCF-style: chr8-68070722-G-A.
Other names: c.1232G>A, p.Arg411Lys (NM_001291339.2); c.2201G>A, p.Arg734Lys (NM_001363131.2); c.2087G>A, p.Arg696Lys (NM_001363132.2); c.2006G>A, p.Arg669Lys (NM_001363133.2); c.2348G>A, p.Arg783Lys (NM_001364869.1); c.2168G>A, p.Arg723Lys (NM_001364870.1); c.2267G>A, p.Arg756Lys (NM_024790.7); short protein forms R696K, R734K, R756K, R411K, R723K, R783K, R669K, R761K.
Identifiers: ClinVar variation 963425 (VCV000963425.9), dbSNP rs753718429, ClinGen allele CA178189993.

ClinVar aggregate classification (germline): Uncertain significance. Review status: criteria provided, multiple submitters, no conflicts (2 of 4 stars). 2 submissions from 2 submitters: Uncertain significance (2). Last evaluated 2026-01-17.

Conditions:
Joubert syndrome 21 (JBTS21). Identifiers: MedGen C3810212, MONDO:0014288, OMIM 615636.
Inborn genetic diseases. Identifiers: MedGen C0950123, MeSH D030342.

Allele frequency attached by ClinVar (database versions not stated): gnomAD exomes below 0.00001 and 0.00003; TOPMed 0.00002; gnomAD 0.00004.
gnomAD v4.1: 59 of 1,613,118 alleles (0.0037%); highest among the groups gnomAD compares: Non-Finnish European, 0.0045%; no homozygotes.

Submissions (2):

Labcorp Genetics (formerly Invitae), Labcorp
Classification: Uncertain significance for Joubert syndrome 21. Last evaluated: 2026-01-17. Review status: criteria provided, single submitter. Criteria: Invitae Variant Classification Sherloc (09022015). Collection method: clinical testing. Allele origin: germline.
Comment: This sequence change replaces arginine, which is basic and polar, with lysine, which is basic and polar, at codon 756 of the CSPP1 protein (p.Arg756Lys). This variant is present in population databases (rs753718429, gnomAD 0.002%). This variant has not been reported in the literature in individuals affected with CSPP1-related conditions. ClinVar contains an entry for this variant (Variation ID: 963425). An algorithm developed to predict the effect of missense changes on protein structure and function outputs the following: PolyPhen-2: "Benign". The lysine amino acid residue is found in multiple mammalian species, which suggests that this missense change does not adversely affect protein function. In summary, the available evidence is currently insufficient to determine the role of this variant in disease. Therefore, it has been classified as a Variant of Uncertain Significance.

Ambry Genetics
Classification: Uncertain significance for Inborn genetic diseases. Last evaluated: 2023-03-13. Review status: criteria provided, single submitter. Criteria: Ambry Variant Classification Scheme 2023. Collection method: clinical testing. Allele origin: germline.